The following is an entry in ClinVar:

ClinVar aggregate classification (germline): Uncertain significance. Review status: criteria provided, single submitter (1 of 4 stars). 2 submissions from 2 submitters: Uncertain significance (1). 1 of the submissions does not count toward it. Last evaluated 2019-07-12.

Conditions:
MELAS syndrome (MELAS). Also called: Juvenile myopathy, encephalopathy, lactic acidosis, stroke. Identifiers: Orphanet 550, MedGen C0162671, MONDO:0010789, OMIM 540000.
Leigh syndrome (NULS). Also called: Leigh's syndrome; Leigh Syndrome (mtDNA deletion); Leigh Disease; Subacute necrotizing encephalopathy; Necrotizing encephalopathy infantile subacute of Leigh; LEIGH SYNDROME, NUCLEAR. Identifiers: Orphanet 506, MedGen C2931891, MONDO:0009723, OMIM 256000.

Submissions (2):

Wong Mito Lab, Molecular and Human Genetics, Baylor College of Medicine
Classification: Uncertain significance for MELAS syndrome. Last evaluated: 2019-07-12. Review status: criteria provided, single submitter. Criteria: Modified ACMG Guidelines (Unpublished). Collection method: clinical testing. Allele origin: germline.
Comment: The NC_012920.1:m.5559A>G variant in MT-TW gene is interpreted to be a Unknown Significance variant based on the modified ACMG guidelines (unpublished). This variant meets the following evidence codes reported in the guidelines: PM9, PP3, PP6

GeneReviews
No classification provided. Condition: Leigh syndrome. Review status: no classification provided. Collection method: literature only. Allele origin: germline. Not counted in ClinVar's aggregate classification.

Literature cited by the submitters: PubMed 31965079 (cited by Wong Mito Lab, Molecular and Human Genetics, Baylor College of Medicine); PubMed 19349200 (cited by Wong Mito Lab, Molecular and Human Genetics, Baylor College of Medicine); NCBI Bookshelf NBK1173 (cited by GeneReviews).

NC_012920.1(MT-TW):m.5559A>G

Gene: MT-TW (mitochondrially encoded tRNA tryptophan; plus strand).
Variant type: single nucleotide variant.
Genome position: chrM-5559-A-G.
Identifiers: ClinVar variation 155884 (VCV000155884.5), dbSNP rs1556423008, ClinGen allele CA345913.